The following continues an entry in ClinVar:

NM_000441.2(SLC26A4):c.1003T>C (p.Phe335Leu)

Gene: SLC26A4. ClinVar aggregate classification (germline): Likely pathogenic. Likely pathogenic (1).

Submissions 21 to 34 of 34:

Genetics Laboratory, Department of Biology, Semnan University
Classification: Pathogenic for Pendred syndrome. Last evaluated: 2022-01-18. Review status: criteria provided, single submitter. Criteria: ACMG Guidelines, 2015. Collection method: research. Allele origin: germline. Inheritance: Autosomal recessive inheritance. Affected: no. Observed: 1 variant allele, 1 heterozygote. Not counted in ClinVar's aggregate classification.
Comment: The identified variant leads to the substitution of Phenylalanine 335 with leucin (F335L) in the SLC26A4 protein. Hence, this substitution could alter the amino acid sequence and could leads to a decreased function of mutated protein. To obtain of the variant found: Exome sequence is generated from extracted DNA that is fragmented, adapted, barcoded, and subjected to a solution phase hybridization with the Agilent SureSelect Human All Exon V7. Next generation sequencing is performed on the Illumina Novaseq 6000 platform. Exomes are sequenced to an average coverage of 100X with 90-95% of bases sequenced to at least 20X coverage, final target coverage for this sample was 60X . Paired-end reads are aligned to the NCBI reference sequence (GRCh37) using the Burrows-Wheeler Aligner (BWA), and variant calls are made and classified using the GenAP pipeline. Variants are filtered to identify: (1) variants with a minor allele frequency ≤5% in Exome Sequencing Project (Exac) in the patient-specific phenotype-driven gene list (see supplement); (2) variants classified as disease causing mutations in public databases; and (3) predicted loss-of-function variants with a minor allele frequency ≤1%. The evidence for phenotype-causality is then evaluated for each variant resulting from the filtering strategies above and variants are classified according to ACMG guideline. Only those variants with evidence for causing or contributing to disease are reported.

Genome-Nilou Lab
Classification: Likely pathogenic for Pendred syndrome. Last evaluated: 2021-05-18. Review status: criteria provided, single submitter. Criteria: ACMG Guidelines, 2015. Collection method: clinical testing. Allele origin: germline. Affected: no. Not counted in ClinVar's aggregate classification.

ARUP Laboratories, Molecular Genetics and Genomics, ARUP Laboratories
Classification: Likely pathogenic. Last evaluated: 2020-11-18. Review status: criteria provided, single submitter. Criteria: ARUP Molecular Germline Variant Investigation Process 2021. Collection method: clinical testing. Allele origin: germline. Not counted in ClinVar's aggregate classification.
Comment: The c.1003T>C; p.Phe335Leu variant (rs111033212) has been reported extensively in the literature in individuals with hearing loss, and many of these patients also had dilated vestibular aqueduct (DVA) or other abnormalities of the temporal bone without goiter (Campbell 2001, Choi 2009, Madden 2007, Pera 2008, Pourova 2010, Prasad 2004). Multiple probands also had a second pathogenic variant in trans (Choi 2009 and Pera 2008). This variant segregated with bilateral hearing loss in one affected family member (Pera 2008), and functional studies indicate that the p.Phe335Leu variant causes a mild but significant reduction in transporter activity compared to wild-type (Choi 2009). This variant is found in the South Asian population with an allele frequency of 0.25% (76/30,612 alleles, including 1 homozygotes) in the Genome Aggregation Database. The phenylalanine at codon 335 is moderately conserved, and computational analyses predict that this variant is deleterious (REVEL: 0.858). Based on available information, this variant is considered to be likely pathogenic.

Myriad Genetics, Inc.
Classification: Likely pathogenic for Pendred syndrome. Last evaluated: 2019-12-17. Review status: criteria provided, single submitter. Criteria: Myriad Women's Health Autosomal Recessive and X-Linked Classification Criteria (2019). Collection method: clinical testing. Allele origin: unknown. Not counted in ClinVar's aggregate classification.
Comment: NM_000441.1(SLC26A4):c.1003T>C(F335L) is classified as likely pathogenic in the context of Pendred syndrome. Sources cited for classification include the following: PMID 29372807, 25394566, 26485571, 27771369, 29293505, 28444304 and 28984810. Classification of NM_000441.1(SLC26A4):c.1003T>C(F335L) is based on the following criteria: This variant has been observed more frequently in patients with clinical diagnoses than in healthy populations. Please note: this variant was assessed in the context of healthy population screening.

Genetics and Genomic Medicine Centre, NeuroGen Healthcare, NeuroGen Healthcare
Classification: Pathogenic for Pendred syndrome. Last evaluated: 2019-09-05. Review status: criteria provided, single submitter. Criteria: Submitter's publication. Collection method: clinical testing. Allele origin: unknown. Affected: no. Not counted in ClinVar's aggregate classification.

Illumina Laboratory Services, Illumina
Classification: Likely pathogenic for SLC26A4-Related Disorders. Last evaluated: 2018-12-13. Review status: criteria provided, single submitter. Criteria: ICSL Variant Classification Criteria 09 May 2019. Collection method: clinical testing. Allele origin: germline. Not counted in ClinVar's aggregate classification.
Comment: The SLC26A4 c.1003T>C (p.Phe335Leu) missense variant has been identified in a compound heterozygous state in two siblings with SLC26A4-related disorders, and in a heterozygous state in at least 17 individuals in whom a second variant was not identified (Campbell et al. 2001; Albert et al. 2006; Madden et al. 2007; Yang et al. 2007; Pera et al. 2008; Choi et al. 2009; PourovÃ¡ et al. 2010; Landa et al. 2013; Rendtorff et al. 2013). The compound heterozygous siblings were described with clinical features of hearing loss and enlarged vestibular aqueduct (EVA), where one of the siblings had bilateral EVAs and the other sibling had unilateral EVA. Most of the heterozygous probands presented with hearing loss with EVA, and the p.Phe335Leu variant was first identified in these probands through single-gene analyses of SLC26A4. In many probands with SLC26A4-related disorders, a second disease-causing variant is not identified (Yang et al. 2009). Digenic inheritance of heterozygous variants in SLC26A4 and KCNJ10 in association with hearing loss has been reported, and the p.Phe335Leu variant has been reported in a heterozygous state in two probands who also carried a KCNJ10 variant in a heterozygous state (Yang et al. 2009; Landa et al. 2013). The p.Phe335Leu variant is reported at a frequency of 0.00307 in the South Asian population of 1000 Genomes. Functional studies showed that the SLC26A4 protein carrying the p.Phe335Leu variant traffics to the plasma membrane in a manner indistinguishable from wild type protein and has substantial residual activity, but has a reduced Clâˆ’/Iâˆ’ exchange rate constant (Choi et al. 2009). Based on the collective evidence, the p.Phe335Leu variant is classified as likely pathogenic for SLC26A4-related disorders. This variant was observed by ICSL as part of a predisposition screen in an ostensibly healthy population.

Fulgent Genetics
Classification: Pathogenic for Pendred syndrome; Autosomal recessive nonsyndromic hearing loss 4. Last evaluated: 2018-10-31. Review status: criteria provided, single submitter. Criteria: ACMG Guidelines, 2015. Collection method: clinical testing. Allele origin: unknown. Not counted in ClinVar's aggregate classification.

HudsonAlpha Institute for Biotechnology
Classification: Likely pathogenic for Pendred syndrome. Last evaluated: 2018-10-22. Review status: criteria provided, single submitter. Criteria: ACMG Guidelines, 2015. Collection method: research. Allele origin: paternal. Affected: yes. Observed: 1 variant allele. Study: HudsonAlpha-AGHI-WGS. Not counted in ClinVar's aggregate classification.

Juno Genomics, Hangzhou Juno Genomics, Inc
Classification: Likely pathogenic for Autosomal recessive nonsyndromic hearing loss 4; Pendred syndrome. Review status: criteria provided, single submitter. Criteria: ACMG Guidelines, 2015. Collection method: clinical testing. Allele origin: germline. Affected: yes. Not counted in ClinVar's aggregate classification.
Comment: For recessive disorders, detected in trans with a pathogenic variant.;Patient's phenotype or family history is highly specific for a disease with a single genetic etiology.;Co-segregation with disease in multiple affected family members in a gene definitively known to cause the disease.;Well-established in vitro or in vivo functional studies supportive of a damaging effect on the gene or gene product.;Allele frequency is greater than expected for disorder.

Kariminejad - Najmabadi Pathology & Genetics Center
Classification: Likely pathogenic for Pendred syndrome. Review status: criteria provided, single submitter. Criteria: ACMG Guidelines, 2015. Collection method: clinical testing. Allele origin: germline. Affected: no. Not counted in ClinVar's aggregate classification.

Lifecell International Pvt. Ltd
Classification: Likely pathogenic for Pendred syndrome. Review status: criteria provided, single submitter. Criteria: ACMG Guidelines, 2015. Collection method: clinical testing. Allele origin: germline. Inheritance: Autosomal recessive inheritance. Affected: yes. Observed: 1 compound heterozygote. Not counted in ClinVar's aggregate classification.
Comment: A Heterozygous Missense, Splice site region variant c.1003T>C in Exon 9 of the SLC26A4 gene that results in the amino acid substitution p.Phe335Leu was identified. The observed variant has a minor allele frequency of 0.086%, in gnomAD exomes and 0.045% in genomes, respectively. The severity of the impact of this variant on the protein is high, based on the effect of the protein and REVEL score . Rare Exome Variant Ensemble Learner (REVEL) is an ensembl method for predicting the pathogenicity of missense variants based on a combination of scores from 13 individual tools: MutPred, FATHMM v2.3, VEST 3.0, PolyPhen-2, SIFT, PROVEAN, MutationAssessor, MutationTaster, LRT, GERP++, SiPhy, phyloP, and phastCons. The REVEL score for an individual missense variant can range from 0 to 1, with higher scores reflecting greater likelihood that the variant is disease-causing. ClinVar has also classified this variant as LikelyPathogenic. For these reasons, this variant has been classified as Likely Pathogenic

OMIM
Classification: Pathogenic for DEAFNESS, AUTOSOMAL RECESSIVE 4, WITH ENLARGED VESTIBULAR AQUEDUCT, DIGENIC. Last evaluated: 2009-05-01. Review status: no assertion criteria provided. Collection method: literature only. Allele origin: germline. Not counted in ClinVar's aggregate classification.

Clinical Genetics DNA and cytogenetics Diagnostics Lab, Erasmus MC, Erasmus Medical Center
Classification: Uncertain significance. Review status: no assertion criteria provided. Collection method: clinical testing. Allele origin: germline. Affected: yes. Study: VKGL Data-share Consensus. Not counted in ClinVar's aggregate classification.

Genome Diagnostics Laboratory, Amsterdam University Medical Center
Classification: Uncertain significance. Review status: no assertion criteria provided. Collection method: clinical testing. Allele origin: germline. Affected: yes. Study: VKGL Data-share Consensus. Not counted in ClinVar's aggregate classification.

Literature cited by the submitters: PubMed 18285825 (cited by 4 submitters); PubMed 19204907 (cited by 6 submitters); PubMed 24051746 (cited by 3 submitters); PubMed 29293505 (cited by 3 submitters); PubMed 29739340 (cited by Otogenetics and Laboratory for Molecular Medicine, Mass General Brigham Personalized Medicine); PubMed 19509082 (cited by Labcorp Genetics (formerly Invitae), Labcorp and Laboratory for Molecular Medicine, Mass General Brigham Personalized Medicine); PubMed 20128824 (cited by Labcorp Genetics (formerly Invitae), Labcorp); PubMed 25394566 (cited by 4 submitters); PubMed 26485571 (cited by 4 submitters); PubMed 19578036 (cited by Labcorp Genetics (formerly Invitae), Labcorp and Women's Health and Genetics/Laboratory Corporation of America, LabCorp); PubMed 33502066 (cited by Women's Health and Genetics/Laboratory Corporation of America, LabCorp); PubMed 23336812 (cited by Women's Health and Genetics/Laboratory Corporation of America, LabCorp and Illumina Laboratory Services, Illumina); PubMed 24222258 (cited by Women's Health and Genetics/Laboratory Corporation of America, LabCorp); PubMed 11317356 (cited by Laboratory for Molecular Medicine, Mass General Brigham Personalized Medicine and Illumina Laboratory Services, Illumina); PubMed 14679580 (cited by Laboratory for Molecular Medicine, Mass General Brigham Personalized Medicine); PubMed 15689455 (cited by Laboratory for Molecular Medicine, Mass General Brigham Personalized Medicine and OMIM); PubMed 17357124 (cited by Laboratory for Molecular Medicine, Mass General Brigham Personalized Medicine); PubMed 16950989 (cited by Laboratory for Molecular Medicine, Mass General Brigham Personalized Medicine); PubMed 17309986 (cited by Laboratory for Molecular Medicine, Mass General Brigham Personalized Medicine and Illumina Laboratory Services, Illumina); PubMed 20597900 (cited by Laboratory for Molecular Medicine, Mass General Brigham Personalized Medicine and Illumina Laboratory Services, Illumina); PubMed 17503324 (cited by Laboratory for Molecular Medicine, Mass General Brigham Personalized Medicine and Illumina Laboratory Services, Illumina); PubMed 19426954 (cited by 3 submitters); PubMed 20668687 (cited by Laboratory for Molecular Medicine, Mass General Brigham Personalized Medicine); PubMed 23965030 (cited by Laboratory for Molecular Medicine, Mass General Brigham Personalized Medicine and Illumina Laboratory Services, Illumina); PubMed 28444304 (cited by Laboratory for Molecular Medicine, Mass General Brigham Personalized Medicine and Myriad Genetics, Inc.); PubMed 24875928 (cited by Laboratory for Molecular Medicine, Mass General Brigham Personalized Medicine); DOI 10.1002/(SICI)1096-8628(20000103)90:1<38::AID-AJMG8>3.0.CO;2-R (cited by Genetics Laboratory, Department of Biology, Semnan University); PubMed 29372807 (cited by Myriad Genetics, Inc.); PubMed 27771369 (cited by Myriad Genetics, Inc.); PubMed 28984810 (cited by Myriad Genetics, Inc.); PubMed 16570074 (cited by Illumina Laboratory Services, Illumina).